The following is an entry in ClinVar:

ClinVar aggregate classification (germline): Pathogenic (1 of 4 stars; one submission).

Conditions:
Kabuki syndrome. Also called: NIIKAWA-KUROKI SYNDROME; Kabuki make-up syndrome. Identifiers: Orphanet 2322, MedGen C0796004, MONDO:0016512.

Submission:

Labcorp Genetics (formerly Invitae), Labcorp
Classification: Pathogenic for Kabuki syndrome. Last evaluated: 2020-08-25. Review status: criteria provided, single submitter. Criteria: Invitae Variant Classification Sherloc (09022015). Collection method: clinical testing. Allele origin: germline.
Comment: This variant is not present in population databases (ExAC no frequency). This sequence change creates a premature translational stop signal (p.Leu5391Alafs*68) in the KMT2D gene. It is expected to result in an absent or disrupted protein product. This variant has not been reported in the literature in individuals with KMT2D-related conditions. For these reasons, this variant has been classified as Pathogenic. Loss-of-function variants in KMT2D are known to be pathogenic (PMID: 22126750).

Literature cited by the submitters: PubMed 22126750.

NM_003482.4(KMT2D):c.16170dup (p.Leu5391fs)

Gene: KMT2D (lysine methyltransferase 2D; minus strand). Cytogenetic location: 12q13.12.
Variant type: Duplication.
Coding change: c.16170dup on transcript NM_003482.4 (MANE Select); coding-DNA position 16170, one base duplicated (G; older notation c.16170dupG).
Protein change: p.Leu5391fs; shifts the reading frame from leucine 5391.
Molecular consequence: frameshift variant.
Genome position (GRCh38, 1-based): chr12:49,022,758, C duplicated on the plus strand (G on the coding strand, the reverse complement: KMT2D is on the minus strand); the first of 2 consecutive C bases (chr12:49,022,758-49,022,759); duplicating either gives the same sequence. VCF-style (leftmost placement, unchanged base first): chr12-49022757-G-GC. GRCh37 (hg19) VCF-style: chr12-49416540-G-GC.
Other names: short protein forms L5391fs.
Identifiers: ClinVar variation 1073263 (VCV001073263.7), dbSNP rs2137707267, ClinGen allele CA2499221701.
Genomic context (GRCh38, chr12:49,022,757, plus strand): 5'-GCCCCAGGCCCTGGATACGGGAGCGAGCCAGGTACACGTTGTTCTTCCATTCGGTGCGCA[G>GC]CCGCCGGTACTGAGATGACTTGGAGTGCACAAACTGCTTGCTGTAGGGGGTGTTGGTCTC-3'